The following is an entry in ClinVar:

ClinVar aggregate classification (germline): Uncertain significance (1 of 4 stars; one submission).

Conditions:
Congenital myasthenic syndrome 12 (CMS12). Also called: MYASTHENIC SYNDROME, CONGENITAL, WITH TUBULAR AGGREGATES 1; Myasthenia, congenital, 12, with tubular aggregates. Identifiers: Orphanet 353327, Orphanet 590, MedGen C3552335, MONDO:0012518, OMIM 610542.

gnomAD v4.1: 2 of 1,613,340 alleles (0.00012%); highest among the groups gnomAD compares: Non-Finnish European, 0.00017%; no homozygotes.

Submission:

Labcorp Genetics (formerly Invitae), Labcorp
Classification: Uncertain significance for Congenital myasthenic syndrome 12. Last evaluated: 2022-03-08. Review status: criteria provided, single submitter. Criteria: Invitae Variant Classification Sherloc (09022015). Collection method: clinical testing. Allele origin: germline.
Comment: In summary, the available evidence is currently insufficient to determine the role of this variant in disease. Therefore, it has been classified as a Variant of Uncertain Significance. Algorithms developed to predict the effect of missense changes on protein structure and function are either unavailable or do not agree on the potential impact of this missense change (SIFT: "Deleterious"; PolyPhen-2: "Probably Damaging"; Align-GVGD: "Class C0"). This variant is also known as c.1486C>T (p.Arg496Trp). This missense change has been observed in individual(s) with congenital myasthenic syndrome (PMID: 21310273). In at least one individual the data is consistent with being in trans (on the opposite chromosome) from a pathogenic variant. This variant is not present in population databases (gnomAD no frequency). This sequence change replaces arginine, which is basic and polar, with tryptophan, which is neutral and slightly polar, at codon 514 of the GFPT1 protein (p.Arg514Trp).

Literature cited by the submitters: PubMed 21310273.

NM_001244710.2(GFPT1):c.1540C>T (p.Arg514Trp)

Gene: GFPT1 (glutamine--fructose-6-phosphate transaminase 1; minus strand). Cytogenetic location: 2p13.3.
Variant type: single nucleotide variant.
Coding change: c.1540C>T on transcript NM_001244710.2 (MANE Select); coding-DNA position 1540, C replaced by T.
Protein change: p.Arg514Trp; replaces arginine 514 with tryptophan.
Molecular consequence: missense variant.
Genome position (GRCh38, 1-based): chr2:69,329,741, G>A on the plus strand (C>T on the coding strand, the complement: GFPT1 is on the minus strand). VCF-style: chr2-69329741-G-A. GRCh37 (hg19) VCF-style: chr2-69556873-G-A.
Other names: c.1486C>T, p.Arg496Trp (NM_002056.4); short protein forms R514W, R496W.
Identifiers: ClinVar variation 1364848 (VCV001364848.8), dbSNP rs2104600845, ClinGen allele CA347422907.
Genomic context (GRCh38, chr2:69,329,741, plus strand): 5'-TACCAGGCAGCCGTTTCAATCCAAGCATGATCTCTTTGCGTCTTTCTTGCATGGAGATCC[G>A]ATCATCACACATCATAAGGGCAAACATCACAAGGGATACAAACTGGCTGGTATAAGCCTG-3'
Protein context (NP_001231639.1, residues 504-524): VMFALMMCDD[Arg514Trp]ISMQERRKEI